The following is an entry in ClinVar:

NM_001035.3(RYR2):c.3658G>T (p.Asp1220Tyr)

Gene: RYR2 (ryanodine receptor 2; plus strand). Cytogenetic location: 1q43.
Variant type: single nucleotide variant.
Coding change: c.3658G>T on transcript NM_001035.3 (MANE Select); coding-DNA position 3658, G replaced by T.
Protein change: p.Asp1220Tyr; replaces aspartic acid 1220 with tyrosine.
Molecular consequence: missense variant.
Genome position (GRCh38, 1-based): chr1:237,589,852, G>T. VCF-style: chr1-237589852-G-T. GRCh37 (hg19) VCF-style: chr1-237753152-G-T.
Other names: short protein forms D1220Y.
Identifiers: ClinVar variation 921696 (VCV000921696.9), dbSNP rs753078642, ClinGen allele CA345396254.
Genomic context (GRCh38, chr1:237,589,852, plus strand): 5'-GGATTCATACCTGTGTGTAGCCTTGGAGTGGCTCAAGTGGGTAGGATGAACTTTGGAAAG[G>T]ATGTCAGCACCTTGAAATATTTCACCATCTGTGGCTTACAAGAGGGCTATGAACCATTTG-3'
Protein context (NP_001026.2, residues 1210-1230): AQVGRMNFGK[Asp1220Tyr]VSTLKYFTIC

ClinVar aggregate classification (germline): Uncertain significance. Review status: criteria provided, multiple submitters, no conflicts (2 of 4 stars). 3 submissions from 3 submitters: Uncertain significance (3). Last evaluated 2024-03-06.

Conditions:
Catecholaminergic polymorphic ventricular tachycardia (CVPT). Also called: Catecholamine-induced polymorphic ventricular tachycardia. Identifiers: Orphanet 3286, MedGen C5574922, MONDO:0017990.
Cardiomyopathy (CMYO). Also called: Cardiomyopathies. Identifiers: Orphanet 167848, MedGen C0878544, MONDO:0004994, HP:0001638. Inheritance: Various modes of inheritance.
Catecholaminergic polymorphic ventricular tachycardia 1. Also called: VENTRICULAR TACHYCARDIA, CATECHOLAMINERGIC POLYMORPHIC, 1, WITH OR WITHOUT ATRIAL DYSFUNCTION AND/OR DILATED CARDIOMYOPATHY; RYR2-Related Catecholaminergic Polymorphic Ventricular Tachycardia; VENTRICULAR TACHYCARDIA, STRESS-INDUCED POLYMORPHIC 1. Identifiers: Orphanet 3286, MedGen C1631597, MONDO:0011484, OMIM 604772.

gnomAD v4.1: 2 of 1,613,842 alleles (0.00012%); highest among the groups gnomAD compares: East Asian, 0.0045%; no homozygotes.

Submissions (3):

Color Diagnostics, LLC DBA Color Health
Classification: Uncertain significance for Cardiomyopathy. Last evaluated: 2024-03-06. Review status: criteria provided, single submitter. Criteria: ACMG Guidelines, 2015. Collection method: clinical testing. Allele origin: germline.
Comment: This missense variant replaces aspartic acid with tyrosine at codon 1220 of the RYR2 protein. Computational prediction suggests that this variant may have deleterious impact on protein structure and function (internally defined REVEL score threshold >= 0.7, PMID: 27666373). To our knowledge, functional studies have not been reported for this variant. This variant has not been reported in individuals affected with RYR2-related disorders in the literature. This variant has not been identified in the general population by the Genome Aggregation Database (gnomAD). The available evidence is insufficient to determine the role of this variant in disease conclusively. Therefore, this variant is classified as a Variant of Uncertain Significance.

All of Us Research Program, National Institutes of Health
Classification: Uncertain significance for Catecholaminergic polymorphic ventricular tachycardia. Last evaluated: 2023-08-28. Review status: criteria provided, single submitter. Criteria: ACMG Guidelines, 2015. Collection method: clinical testing. Allele origin: germline. Inheritance: Autosomal dominant inheritance. Observed: 1 variant allele, 1 heterozygote.
Comment: This missense variant replaces aspartic acid with tyrosine at codon 1220 of the RYR2 protein. Computational prediction suggests that this variant may have deleterious impact on protein structure and function (internally defined REVEL score threshold >= 0.7, PMID: 27666373). To our knowledge, functional studies have not been reported for this variant. This variant has not been reported in individuals affected with RYR2-related disorders in the literature. This variant has not been identified in the general population by the Genome Aggregation Database (gnomAD). The available evidence is insufficient to determine the role of this variant in disease conclusively. Therefore, this variant is classified as a Variant of Uncertain Significance.

This study involves interpretation of variants in research participants for the purpose of population health screening. Participant phenotype was not available at the time of variant classification. Additional details can be found in publication PMID: 35346344, PMCID: PMC8962531

Labcorp Genetics (formerly Invitae), Labcorp
Classification: Uncertain significance for Catecholaminergic polymorphic ventricular tachycardia 1. Last evaluated: 2023-04-25. Review status: criteria provided, single submitter. Criteria: Invitae Variant Classification Sherloc (09022015). Collection method: clinical testing. Allele origin: germline.
Comment: Advanced modeling of protein sequence and biophysical properties (such as structural, functional, and spatial information, amino acid conservation, physicochemical variation, residue mobility, and thermodynamic stability) performed at Invitae indicates that this missense variant is expected to disrupt RYR2 protein function. In summary, the available evidence is currently insufficient to determine the role of this variant in disease. Therefore, it has been classified as a Variant of Uncertain Significance. ClinVar contains an entry for this variant (Variation ID: 921696). This variant has not been reported in the literature in individuals affected with RYR2-related conditions. This variant is not present in population databases (gnomAD no frequency). This sequence change replaces aspartic acid, which is acidic and polar, with tyrosine, which is neutral and polar, at codon 1220 of the RYR2 protein (p.Asp1220Tyr).